The following is an entry in ClinVar:

ClinVar aggregate classification (germline): Uncertain significance (1 of 4 stars; one submission).

Conditions:
Myasthenic syndrome, congenital, 22 (CMS22). Also called: PREPL DEFICIENCY. Identifiers: MedGen C4479088, MONDO:0044299, OMIM 616224.

Submission:

Labcorp Genetics (formerly Invitae), Labcorp
Classification: Uncertain significance for Myasthenic syndrome, congenital, 22. Last evaluated: 2022-06-21. Review status: criteria provided, single submitter. Criteria: Invitae Variant Classification Sherloc (09022015). Collection method: clinical testing. Allele origin: germline.
Comment: In summary, the available evidence is currently insufficient to determine the role of this variant in disease. Therefore, it has been classified as a Variant of Uncertain Significance. This variant has not been reported in the literature in individuals affected with PREPL-related conditions. This variant results in a copy number gain of the genomic region encompassing exon(s) 1-2 of the PREPL gene. This region includes the initiator codon of the gene. This copy number gain extends beyond the assayed region for this gene and therefore may encompass additional genes. As the precise location of this event is unknown, it may be in tandem or it may be located elsewhere in the genome.

NC_000002.11:g.(?_44573387)_(44586854_?)dup

Gene: PREPL (prolyl endopeptidase like; minus strand). Cytogenetic location: 2p21.
Variant type: Duplication.
Identifiers: ClinVar variation 2425477 (VCV002425477.4).